The following is an entry in ClinVar:

ClinVar aggregate classification (germline): Pathogenic. Review status: criteria provided, multiple submitters, no conflicts (2 of 4 stars). 3 submissions from 3 submitters: Pathogenic (3). Last evaluated 2026-04-28.

Conditions:
USH2A-related disorder. Also called: USH2A-related disorders; USH2A-related condition. Identifiers: MedGen CN239332.
Usher syndrome type 2A. Also called: RETINAL DISEASE IN USHER SYNDROME TYPE IIA, MODIFIER OF; USHER SYNDROME, TYPE IIA. Identifiers: Orphanet 231178, Orphanet 886, MedGen C1848634, MONDO:0010169, OMIM 276901.

Allele frequency attached by ClinVar (database versions not stated): ExAC 0.00001; gnomAD exomes 0.00001 and 0.00002.

Submissions (3):

Wales Gene Park, Division Of Cancer and Genetics, Cardiff University
Classification: Pathogenic for Usher syndrome type 2A. Last evaluated: 2026-04-28. Review status: criteria provided, single submitter. Criteria: ACGS Best Practice Guidelines for Variant Classification in Rare Disease 2024. Collection method: research. Allele origin: inherited. Inheritance: Autosomal recessive inheritance. Affected: yes. Study: 100,000 Genomes Project (Wales).
Comment: Inherited USH2A frameshift variant detected by trio genome sequencing. Low frequency in gnomAD (v4.1.1). Evidence codes: PVS1, PM2, PM3_strong.

Labcorp Genetics (formerly Invitae), Labcorp
Classification: Pathogenic. Last evaluated: 2023-08-08. Review status: criteria provided, single submitter. Criteria: Invitae Variant Classification Sherloc (09022015). Collection method: clinical testing. Allele origin: germline.
Comment: For these reasons, this variant has been classified as Pathogenic. ClinVar contains an entry for this variant (Variation ID: 967864). This premature translational stop signal has been observed in individual(s) with retinitis pigmentosa (PMID: 25649381). This variant is present in population databases (rs759255743, gnomAD 0.002%). This sequence change creates a premature translational stop signal (p.Glu3305Argfs*41) in the USH2A gene. It is expected to result in an absent or disrupted protein product. Loss-of-function variants in USH2A are known to be pathogenic (PMID: 10729113, 10909849, 20507924, 25649381).

Blueprint Genetics
Classification: Pathogenic for USH2A-related disorders. Last evaluated: 2021-05-30. Review status: criteria provided, single submitter. Criteria: ACMG Guidelines, 2015. Collection method: clinical testing. Allele origin: germline. Affected: yes. Observed: 2 variant alleles.

Literature cited by the submitters: PubMed 10729113 (cited by Wales Gene Park, Division Of Cancer and Genetics, Cardiff University and Labcorp Genetics (formerly Invitae), Labcorp); PubMed 10909849 (cited by Wales Gene Park, Division Of Cancer and Genetics, Cardiff University and Labcorp Genetics (formerly Invitae), Labcorp); PubMed 20507924 (cited by Wales Gene Park, Division Of Cancer and Genetics, Cardiff University and Labcorp Genetics (formerly Invitae), Labcorp); PubMed 25649381 (cited by Wales Gene Park, Division Of Cancer and Genetics, Cardiff University and Labcorp Genetics (formerly Invitae), Labcorp).

NM_206933.4(USH2A):c.9912dup (p.Glu3305fs)

Gene: USH2A (usherin; minus strand). Cytogenetic location: 1q41.
Variant type: Duplication.
Coding change: c.9912dup on transcript NM_206933.4 (MANE Select); coding-DNA position 9912, one base duplicated (A; older notation c.9912dupA).
Protein change: p.Glu3305fs; shifts the reading frame from glutamic acid 3305.
Molecular consequence: frameshift variant.
Genome position (GRCh38, 1-based): chr1:215,798,953, T duplicated on the plus strand (A on the coding strand, the reverse complement: USH2A is on the minus strand). VCF-style (leftmost placement, unchanged base first): chr1-215798952-C-CT. GRCh37 (hg19) VCF-style: chr1-215972294-C-CT.
Other names: short protein forms E3305fs.
Identifiers: ClinVar variation 967864 (VCV000967864.11), dbSNP rs759255743, ClinGen allele CA1394182.
Genomic context (GRCh38, chr1:215,798,952, plus strand): 5'-ACCTGGGCCCCTTACCTGGAAGGCGATTGTACACCACTCCTTCTTCTCCACCACAACACT[C>CT]TAAATCGTTGCTCACAATCTGTCTGCCACAGCACTTCTGGCCATGGCCATCATGAAGCCT-3'